The following is an entry in ClinVar:

ClinVar aggregate classification (germline): Benign/Likely benign. Review status: criteria provided, multiple submitters, no conflicts (2 of 4 stars). 2 submissions from 2 submitters: Benign (1); Likely benign (1). Last evaluated 2024-09-26.

Conditions:
Melanoma, cutaneous malignant, susceptibility to, 3. Also called: Cutaneous malignant melanoma 3. Identifiers: Orphanet 618, MedGen C1836892, MONDO:0012183, OMIM 609048.
Familial melanoma. Also called: Hereditary melanoma; Hereditary cutaneous melanoma. Identifiers: Orphanet 618, MedGen C1512419, MONDO:0018961.

Submissions (2):

Myriad Genetics, Inc.
Classification: Benign for Melanoma, cutaneous malignant, susceptibility to, 3. Last evaluated: 2024-09-26. Review status: criteria provided, single submitter. Criteria: Myriad Autosomal Dominant, Autosomal Recessive and X-Linked Classification Criteria (2023). Collection method: clinical testing. Allele origin: unknown.
Comment: This variant is considered benign. This variant is a silent/synonymous amino acid change and it is not expected to impact splicing.

Labcorp Genetics (formerly Invitae), Labcorp
Classification: Likely benign for Familial melanoma. Last evaluated: 2024-06-18. Review status: criteria provided, single submitter. Criteria: Invitae Variant Classification Sherloc (09022015). Collection method: clinical testing. Allele origin: germline.

NM_000075.4(CDK4):c.729C>T (p.Ser243=)

Genes: CDK4 (cyclin dependent kinase 4; minus strand), TSPAN31 (tetraspanin 31; plus strand). Cytogenetic location: 12q14.1.
Variant type: single nucleotide variant.
Coding change: c.729C>T on transcript NM_000075.4 (MANE Select); coding-DNA position 729, C replaced by T.
Protein change: p.Ser243=; no amino-acid change (serine 243 retained).
Molecular consequence: synonymous variant. On other transcripts: 3 prime UTR variant (3).
Genome position (GRCh38, 1-based): chr12:57,749,272, G>A on the plus strand (C>T on the coding strand, the complement: CDK4 is on the minus strand). VCF-style: chr12-57749272-G-A. GRCh37 (hg19) VCF-style: chr12-58143055-G-A.
Other names: c.*1982G>A (NM_001330168.2, NM_001330169.2, NM_005981.5).
Identifiers: ClinVar variation 2163428 (VCV002163428.5), dbSNP rs1955201914, ClinGen allele CA480300207.